The following is an entry in ClinVar:

NM_022455.5(NSD1):c.6557A>G (p.His2186Arg)

Gene: NSD1 (nuclear receptor binding SET domain protein 1; plus strand). Cytogenetic location: 5q35.3.
Variant type: single nucleotide variant.
Coding change: c.6557A>G on transcript NM_022455.5 (MANE Select); coding-DNA position 6557, A replaced by G.
Protein change: p.His2186Arg; replaces histidine 2186 with arginine.
Molecular consequence: missense variant.
Genome position (GRCh38, 1-based): chr5:177,293,925, A>G. VCF-style: chr5-177293925-A-G. GRCh37 (hg19) VCF-style: chr5-176720926-A-G.
Other names: c.5684A>G, p.His1895Arg (NM_001365684.2, NM_001409308.1, NM_172349.5); c.6557A>G, p.His2186Arg (NM_001409301.1, NM_001409302.1, NM_001409303.1); c.6137A>G, p.His2046Arg (NM_001409304.1); c.5804A>G, p.His1935Arg (NM_001409305.1); c.5795A>G, p.His1932Arg (NM_001409306.1, NM_001409307.1); c.5435A>G, p.His1812Arg (NM_001409309.1); short protein forms H2186R, H1917R, H1812R, H1895R, H1932R, H2046R, H1935R.
Identifiers: ClinVar variation 159430 (VCV000159430.12), dbSNP rs587784208, ClinGen allele CA295099.

ClinVar aggregate classification (germline): Pathogenic/Likely pathogenic. Review status: criteria provided, multiple submitters, no conflicts (2 of 4 stars). 3 submissions from 3 submitters: Pathogenic (2); Likely pathogenic (1). Last evaluated 2025-03-03.

Conditions:
Sotos syndrome (SOTOS). Also called: Distinctive facial appearance, overgrowth in childhood, and learning disabilities or delayed development; CEREBRAL GIGANTISM; Sotos' syndrome; CHROMOSOME 5q35 DELETION SYNDROME; SOTOS SYNDROME 1. Identifiers: Orphanet 821, MedGen C0175695, MONDO:0019349, OMIM 117550.

Submissions (3):

Labcorp Genetics (formerly Invitae), Labcorp
Classification: Pathogenic. Last evaluated: 2025-03-03. Review status: criteria provided, single submitter. Criteria: Invitae Variant Classification Sherloc (09022015). Collection method: clinical testing. Allele origin: germline.
Comment: This sequence change replaces histidine, which is basic and polar, with arginine, which is basic and polar, at codon 2186 of the NSD1 protein (p.His2186Arg). This variant is not present in population databases (gnomAD no frequency). This missense change has been observed in individuals with Sotos syndrome (PMID: 32170002; internal data). ClinVar contains an entry for this variant (Variation ID: 159430). Invitae Evidence Modeling of protein sequence and biophysical properties (such as structural, functional, and spatial information, amino acid conservation, physicochemical variation, residue mobility, and thermodynamic stability) indicates that this missense variant is expected to disrupt NSD1 protein function with a positive predictive value of 95%. This variant disrupts the p.His2186 amino acid residue in NSD1. Other variant(s) that disrupt this residue have been determined to be pathogenic (internal data). This suggests that this residue is clinically significant, and that variants that disrupt this residue are likely to be disease-causing. For these reasons, this variant has been classified as Pathogenic.

Mendelics
Classification: Pathogenic for Sotos syndrome. Last evaluated: 2022-05-04. Review status: criteria provided, single submitter. Criteria: Mendelics Assertion Criteria 2019. Collection method: clinical testing. Allele origin: germline.

Genetic Services Laboratory, University of Chicago
Classification: Likely pathogenic for Sotos syndrome 1. Last evaluated: 2014-06-26. Review status: criteria provided, single submitter. Criteria: ACMG Guidelines, 2015. Collection method: clinical testing. Allele origin: germline. Inheritance: Autosomal dominant inheritance. Affected: yes.

Literature cited by the submitters: PubMed 32170002 (cited by Labcorp Genetics (formerly Invitae), Labcorp).